The following is an entry in ClinVar:

NM_001374828.1(ARID1B):c.1206_1232del (p.Ser403_Gly411del)

Gene: ARID1B (AT-rich interaction domain 1B; plus strand). Cytogenetic location: 6q25.3.
Variant type: Deletion.
Coding change: c.1206_1232del on transcript NM_001374828.1 (MANE Select); coding-DNA positions 1206 to 1232, 27 bases deleted (CAGCGGAGGAGGAGGAGGAGGAGGAGG).
Protein change: p.Ser403_Gly411del.
Molecular consequence: inframe deletion. On other transcripts: inframe indel (3).
Genome position (GRCh38, 1-based): chr6:156,778,886-156,778,912, CAGCGGAGGAGGAGGAGGAGGAGGAGG deleted; deleting any 27 consecutive bases within chr6:156,778,872-156,778,912 gives the same sequence; the c. name uses the placement nearest the transcript's 3' end. VCF-style (leftmost placement, unchanged base first): chr6-156778871-CGGAGGAGGAGGAGGCAGCGGAGGAGGA-C. GRCh37 (hg19) VCF-style: chr6-157100005-CGGAGGAGGAGGAGGCAGCGGAGGAGGA-C.
Other names: c.957_983del27, p.Ser320_Gly328del (NM_001346813.1, NM_020732.3); c.1206_1232del, p.Ser403_Gly411del (NM_001371656.1, NM_001374820.1, NM_017519.3); c.783_809del27, p.Ser262_Gly270del (NM_175863.2).
Identifiers: ClinVar variation 2737397 (VCV002737397.4), dbSNP rs1292728719, ClinGen allele CA571907191.

ClinVar aggregate classification (germline): Conflicting classifications of pathogenicity. Review status: criteria provided, conflicting classifications (1 of 4 stars). 2 submissions from 2 submitters: Uncertain significance (1); Likely benign (1). Last evaluated 2026-09-01.

Submissions (2):

CeGaT Center for Human Genetics Tuebingen
Classification: Likely benign. Last evaluated: 2026-09-01. Review status: criteria provided, single submitter. Criteria: CeGaT Center For Human Genetics Tuebingen Variant Classification Criteria Version 2. Collection method: clinical testing. Allele origin: germline. Affected: yes. Observed: 1 variant allele.
Comment: ARID1B: BP3

Labcorp Genetics (formerly Invitae), Labcorp
Classification: Uncertain significance. Last evaluated: 2025-05-30. Review status: criteria provided, single submitter. Criteria: Invitae Variant Classification Sherloc (09022015). Collection method: clinical testing. Allele origin: germline.
Comment: This variant, c.957_983del, results in the deletion of 9 amino acid(s) of the ARID1B protein (p.Ser320_Gly328del), but otherwise preserves the integrity of the reading frame. The frequency data for this variant in the population databases is considered unreliable, as metrics indicate poor data quality at this position in the gnomAD database. This variant has been observed in individual(s) with neurodevelopmental disorder (PMID: 37500730). ClinVar contains an entry for this variant (Variation ID: 2737397). Experimental studies and prediction algorithms are not available or were not evaluated, and the functional significance of this variant is currently unknown. In summary, the available evidence is currently insufficient to determine the role of this variant in disease. Therefore, it has been classified as a Variant of Uncertain Significance.

Literature cited by the submitters: PubMed 37500730 (cited by Labcorp Genetics (formerly Invitae), Labcorp).